The following is an entry in ClinVar:

ClinVar aggregate classification (germline): Uncertain significance (1 of 4 stars; one submission).

gnomAD v4.1: 1 of 1,614,004 alleles (0.000062%); highest among the groups gnomAD compares: Non-Finnish European, 0.000085%; no homozygotes.

Submission:

Labcorp Genetics (formerly Invitae), Labcorp
Classification: Uncertain significance. Last evaluated: 2025-07-16. Review status: criteria provided, single submitter. Criteria: Invitae Variant Classification Sherloc (09022015). Collection method: clinical testing. Allele origin: germline.
Comment: This sequence change affects codon 1023 of the COL4A3 mRNA. It is a 'silent' change, meaning that it does not change the encoded amino acid sequence of the COL4A3 protein. It affects a nucleotide within the consensus splice site. This variant is not present in population databases (gnomAD no frequency). This variant has not been reported in the literature in individuals affected with COL4A3-related conditions. Algorithms developed to predict the effect of sequence changes on RNA splicing suggest that this variant may disrupt the consensus splice site. In summary, the available evidence is currently insufficient to determine the role of this variant in disease. Therefore, it has been classified as a Variant of Uncertain Significance.

NM_000091.5(COL4A3):c.3069A>G (p.Pro1023=)

Genes: COL4A3 (collagen type IV alpha 3 chain; plus strand), MFF-DT (MFF divergent transcript; minus strand). Cytogenetic location: 2q36.3.
Variant type: single nucleotide variant.
Coding change: c.3069A>G on transcript NM_000091.5 (MANE Select); coding-DNA position 3069, A replaced by G.
Protein change: p.Pro1023=; no amino-acid change (proline 1023 retained).
Molecular consequence: synonymous variant.
Genome position (GRCh38, 1-based): chr2:227,290,087, A>G. VCF-style: chr2-227290087-A-G. GRCh37 (hg19) VCF-style: chr2-228154803-A-G.
Identifiers: ClinVar variation 4772381 (VCV004772381.1).
Genomic context (GRCh38, chr2:227,290,087, plus strand): 5'-GAATCCTGGAGAACCAGGACTGCGTGGTATACCAGGAAGCATGGGGAACATGGGCATGCC[A>G]GGTAATGCATAAGGTCCTGTTATGAGCCCACAAGCTCATGATGGGTGAGGACTCCAGATT-3'
Protein context (NP_000082.2, residues 1013-1033): IPGSMGNMGM[Pro1023=]GSKGKRGTLG